The following is an entry in ClinVar:

ClinVar aggregate classification (germline): Likely benign. Review status: criteria provided, multiple submitters, no conflicts (2 of 4 stars). 3 submissions from 3 submitters: Likely benign (2). 1 of the submissions does not count toward it. Last evaluated 2023-03-01.

Conditions:
ULK4-related disorder. Also called: ULK4-related condition.
Moderate intellectual disability. Also called: Moderae intellectual disability; Moderate ID. Identifiers: MedGen C0026351, HP:0002342.

Allele frequency attached by ClinVar (database versions not stated): 1000 Genomes Project 30x 0.00250; 1000 Genomes Project 0.00260; gnomAD exomes 0.00331 and 0.00437; TOPMed 0.00337; ExAC 0.00346; gnomAD 0.00371 and 0.00402; ESP Exome Variant Server 0.00404.
gnomAD v4.1: 6,963 of 1,613,304 alleles (0.43%); highest among the groups gnomAD compares: Non-Finnish European, 0.5%; 15 homozygotes.

Submissions (3):

CeGaT Center for Human Genetics Tuebingen
Classification: Likely benign. Last evaluated: 2023-03-01. Review status: criteria provided, single submitter. Criteria: CeGaT Center For Human Genetics Tuebingen Variant Classification Criteria Version 2. Collection method: clinical testing. Allele origin: germline. Affected: yes. Observed: 1 variant allele.
Comment: ULK4: BP4, BS2

HudsonAlpha Institute for Biotechnology
Classification: Likely benign for Intellectual disability (moderate). Last evaluated: 2016-07-14. Review status: criteria provided, single submitter. Criteria: HA_assertions_20161101. Collection method: research. Allele origin: unknown. Affected: yes. Study: CSER-HudsonAlpha.

PreventionGenetics, part of Exact Sciences
Classification: Likely benign for ULK4-related condition. Last evaluated: 2019-05-31. Review status: no assertion criteria provided. Collection method: clinical testing. Allele origin: germline. Not counted in ClinVar's aggregate classification.
Comment: This variant is classified as likely benign based on ACMG/AMP sequence variant interpretation guidelines (Richards et al. 2015 PMID: 25741868, with internal and published modifications).

NM_017886.4(ULK4):c.2056G>A (p.Val686Ile)

Gene: ULK4 (unc-51 like kinase 4; minus strand). Cytogenetic location: 3p22.1.
Variant type: single nucleotide variant.
Coding change: c.2056G>A on transcript NM_017886.4 (MANE Select); coding-DNA position 2056, G replaced by A.
Protein change: p.Val686Ile; replaces valine 686 with isoleucine.
Molecular consequence: missense variant. On other transcripts: non-coding transcript variant (1).
Genome position (GRCh38, 1-based): chr3:41,789,798, C>T on the plus strand (G>A on the coding strand, the complement: ULK4 is on the minus strand). VCF-style: chr3-41789798-C-T. GRCh37 (hg19) VCF-style: chr3-41831290-C-T.
Other names: c.2056G>A (NM_017886.3); c.2056G>A, p.Val686Ile (NM_001322500.2); c.1150G>A, p.Val384Ile (NM_001322501.2); short protein forms V686I, V384I.
Identifiers: ClinVar variation 224082 (VCV000224082.26), dbSNP rs77615850, ClinGen allele CA358638.